The following is an entry in ClinVar:

NM_014516.4(CNOT3):c.919C>T (p.Pro307Ser)

Gene: CNOT3 (CCR4-NOT transcription complex subunit 3; plus strand). Cytogenetic location: 19q13.42.
Variant type: single nucleotide variant.
Coding change: c.919C>T on transcript NM_014516.4 (MANE Select); coding-DNA position 919, C replaced by T.
Protein change: p.Pro307Ser; replaces proline 307 with serine.
Molecular consequence: missense variant. On other transcripts: non-coding transcript variant (2).
Genome position (GRCh38, 1-based): chr19:54,148,172, C>T. VCF-style: chr19-54148172-C-T. GRCh37 (hg19) VCF-style: chr19-54651907-C-T.
Other names: c.922C>T, p.Pro308Ser (NM_001440653.1, NM_001440655.1, NM_001440657.1 and 3 more transcripts); c.919C>T, p.Pro307Ser (NM_001440654.1, NM_001440656.1, NM_001440658.1 and 1 more transcripts); c.376C>T, p.Pro126Ser (NM_001440659.1, NM_001440660.1); short protein forms P308S, P126S, P307S.
Identifiers: ClinVar variation 4995527 (VCV004995527.1).

ClinVar aggregate classification (germline): Uncertain significance (1 of 4 stars; one submission).

Conditions:
CNOT3-related disorder. Also called: CNOT3-related condition.

Submission:

PreventionGenetics, part of Exact Sciences
Classification: Uncertain significance for CNOT3-related condition. Last evaluated: 2026-07-09. Review status: criteria provided, single submitter. Criteria: ACMG Guidelines, 2015. Collection method: clinical testing. Allele origin: germline.
Comment: The CNOT3 c.919C>T variant is predicted to result in the amino acid substitution p.Pro307Ser. To our knowledge, this variant has not been reported in the literature. This variant is reported in 0.0068% of alleles in individuals of East Asian descent in gnomAD. At this time, the clinical significance of this variant is uncertain due to the absence of conclusive functional and genetic evidence.